The following is an entry in ClinVar:

ClinVar aggregate classification (germline): Likely pathogenic (1 of 4 stars; one submission).

Conditions:
Mucopolysaccharidosis, MPS-III-A (MPS3A). Also called: Mucopolysaccharidosis, type IIIA; mucopolysaccharidosis type 3A; MPS IIIA (Sanfilippo Syndrome Type A); HEPARAN SULFATE SULFATASE DEFICIENCY; SANFILIPPO SYNDROME A; SULFAMIDASE DEFICIENCY. Identifiers: Orphanet 581, Orphanet 79269, MedGen C0086647, MONDO:0009655, OMIM 252900.

Submission:

Natera, Inc.
Classification: Likely pathogenic for Mucopolysaccharidosis type IIIA. Last evaluated: 2024-08-02. Review status: criteria provided, single submitter. Criteria: Natera Variant Classification Schema (03/2026). Collection method: clinical testing. Allele origin: germline.
Comment: The c.249+1G>A variant in SGSH is a canonical splice donor site variant predicted to affect pre-mRNA splicing, which may result in an abnormal transcript and altered protein product. This variant is expected to result in nonsense mediated decay, truncation, or a dysfunctional protein product. This variant is rare in the general population with a frequency below the threshold expected for the associated phenotype(s). Given the available evidence, this variant is classified as Likely Pathogenic.

NM_000199.5(SGSH):c.249+1G>A

Gene: SGSH (N-sulfoglucosamine sulfohydrolase; minus strand). Cytogenetic location: 17q25.3.
Variant type: single nucleotide variant.
Coding change: c.249+1G>A on transcript NM_000199.5 (MANE Select); the canonical splice donor site of the intron after coding-DNA position 249, G replaced by A.
Molecular consequence: splice donor variant.
Genome position (GRCh38, 1-based): chr17:80,217,031, C>T on the plus strand (G>A on the coding strand, the complement: SGSH is on the minus strand). VCF-style: chr17-80217031-C-T. GRCh37 (hg19) VCF-style: chr17-78190830-C-T.
Other names: c.249+1G>A (NM_001352921.3, NM_001352922.2).
Identifiers: ClinVar variation 4817907 (VCV004817907.1).
Genomic context (GRCh38, chr17:80,217,031, plus strand): 5'-GGCCCCGGACGCAGCCTGTCTACTCCCTGCCCACCCCCTCCTCCCGCCCCTTGCACCTCA[C>T]CTGGGGCAGGCCAGTGAGGAGGCTGGCGCGGCTGGGAGAGCAGCTGCTGACCGAGGTGAA-3'